The following is an entry in ClinVar:

ClinVar aggregate classification (germline): Conflicting classifications of pathogenicity. Review status: criteria provided, conflicting classifications (1 of 4 stars). 5 submissions from 5 submitters: Uncertain significance (2); Benign (1); Likely benign (2). Last evaluated 2025-08-20.

Conditions:
Hereditary cancer-predisposing syndrome. Also called: Hereditary neoplastic syndrome; Tumor predisposition; Hereditary Cancer Syndrome; Neoplastic Syndromes, Hereditary. Identifiers: Orphanet 140162, MedGen C0027672, MeSH D009386, MONDO:0015356.
Tuberous sclerosis syndrome (TSC). Also called: Tuberous Sclerosis Complex; Tuberous sclerosis. Identifiers: Orphanet 805, MedGen C0041341, MONDO:0001734.
Tuberous sclerosis 2 (TSC2). Identifiers: Orphanet 805, MedGen C1860707, MONDO:0013199, OMIM 613254.

Allele frequency attached by ClinVar (database versions not stated): gnomAD exomes 0.00001 and 0.00002; TOPMed 0.00001; ExAC 0.00002.

Submissions (5):

Labcorp Genetics (formerly Invitae), Labcorp
Classification: Benign for Tuberous sclerosis 2. Last evaluated: 2025-08-20. Review status: criteria provided, single submitter. Criteria: Invitae Variant Classification Sherloc (09022015). Collection method: clinical testing. Allele origin: germline.

All of Us Research Program, National Institutes of Health
Classification: Uncertain significance for Tuberous sclerosis syndrome. Last evaluated: 2024-09-23. Review status: criteria provided, single submitter. Criteria: ACMG Guidelines, 2015. Collection method: clinical testing. Allele origin: germline. Inheritance: Autosomal dominant inheritance. Observed: 1 variant allele, 1 heterozygote.
Comment: This study involves interpretation of variants in research participants for the purpose of population health screening. Participant phenotype was not available at the time of variant classification. Additional details can be found in publication PMID: 35346344, PMCID: PMC8962531

Myriad Genetics, Inc.
Classification: Likely benign for Tuberous sclerosis 2. Last evaluated: 2024-08-20. Review status: criteria provided, single submitter. Criteria: Myriad Autosomal Dominant, Autosomal Recessive and X-Linked Classification Criteria (2023). Collection method: clinical testing. Allele origin: unknown.
Comment: This variant is considered likely benign. This variant has been observed at a population frequency that is significantly greater than expected given the associated disease prevalence and penetrance.

Ambry Genetics
Classification: Uncertain significance for Hereditary cancer-predisposing syndrome. Last evaluated: 2023-08-04. Review status: criteria provided, single submitter. Criteria: Ambry Variant Classification Scheme 2023. Collection method: clinical testing. Allele origin: germline.
Comment: The p.R1361Q variant (also known as c.4082G>A), located in coding exon 33 of the TSC2 gene, results from a G to A substitution at nucleotide position 4082. The arginine at codon 1361 is replaced by glutamine, an amino acid with highly similar properties. This amino acid position is not well conserved in available vertebrate species. In addition, the in silico prediction for this alteration is inconclusive. Since supporting evidence is limited at this time, the clinical significance of this alteration remains unclear.

Genome-Nilou Lab
Classification: Likely benign for Tuberous sclerosis 2. Last evaluated: 2021-11-07. Review status: criteria provided, single submitter. Criteria: ACMG Guidelines, 2015. Collection method: clinical testing. Allele origin: germline. Affected: no.

NM_000548.5(TSC2):c.4082G>A (p.Arg1361Gln)

Gene: TSC2 (TSC complex subunit 2; plus strand). Cytogenetic location: 16p13.3.
Variant type: single nucleotide variant.
Coding change: c.4082G>A on transcript NM_000548.5 (MANE Select); coding-DNA position 4082, G replaced by A.
Protein change: p.Arg1361Gln; replaces arginine 1361 with glutamine.
Molecular consequence: missense variant.
Genome position (GRCh38, 1-based): chr16:2,084,304, G>A. VCF-style: chr16-2084304-G-A. GRCh37 (hg19) VCF-style: chr16-2134305-G-A.
Other names: c.3881G>A, p.Arg1294Gln (NM_001077183.3); c.4013G>A, p.Arg1338Gln (NM_001114382.3); c.3773G>A, p.Arg1258Gln (NM_001318827.2); c.3737G>A, p.Arg1246Gln (NM_001318829.2); c.3350G>A, p.Arg1117Gln (NM_001318831.2); c.3914G>A, p.Arg1305Gln (NM_001318832.2); c.3884G>A, p.Arg1295Gln (NM_001363528.2); c.3950G>A, p.Arg1317Gln (NM_001370404.1); and 1 more; short protein forms R1361Q, R1258Q, R1305Q, R1318Q, R1117Q, R1246Q, R1294Q, R1295Q.
Identifiers: ClinVar variation 577577 (VCV000577577.19), dbSNP rs762798984, ClinGen allele CA050385.